The following is an entry in ClinVar:

ClinVar aggregate classification (germline): Uncertain significance (1 of 4 stars; one submission).

Conditions:
Idiopathic generalized epilepsy. Also called: Generalised epilepsy; EIG. Identifiers: MedGen C0270850, MONDO:0005579, OMIM 600669.
Hyperaldosteronism, familial, type IV (HALD4). Also called: FH IV; ALDOSTERONISM, PRIMARY, AND HYPERTENSION. Identifiers: MONDO:0014875, OMIM 617027, Orphanet 642671, MedGen C4310756.

Submission:

Labcorp Genetics (formerly Invitae), Labcorp
Classification: Uncertain significance for Idiopathic generalized epilepsy; Hyperaldosteronism, familial, type IV. Last evaluated: 2019-06-27. Review status: criteria provided, single submitter. Criteria: Invitae Variant Classification Sherloc (09022015). Collection method: clinical testing. Allele origin: germline.
Comment: In summary, the available evidence is currently insufficient to determine the role of this variant in disease. Therefore, it has been classified as a Variant of Uncertain Significance. Algorithms developed to predict the effect of missense changes on protein structure and function are either unavailable or do not agree on the potential impact of this missense change (SIFT: "Tolerated"; PolyPhen-2: "Probably Damaging"; Align-GVGD: "Class C0"). This variant has not been reported in the literature in individuals with CACNA1H-related conditions. This variant is not present in population databases (ExAC no frequency). This sequence change replaces lysine with glutamine at codon 1643 of the CACNA1H protein (p.Lys1643Gln). The lysine residue is highly conserved and there is a small physicochemical difference between lysine and glutamine.

NM_021098.3(CACNA1H):c.4927A>C (p.Lys1643Gln)

Gene: CACNA1H (calcium voltage-gated channel subunit alpha1 H; plus strand). Cytogenetic location: 16p13.3.
Variant type: single nucleotide variant.
Coding change: c.4927A>C on transcript NM_021098.3 (MANE Select); coding-DNA position 4927, A replaced by C.
Protein change: p.Lys1643Gln; replaces lysine 1643 with glutamine.
Molecular consequence: missense variant.
Genome position (GRCh38, 1-based): chr16:1,213,929, A>C. VCF-style: chr16-1213929-A-C. GRCh37 (hg19) VCF-style: chr16-1263929-A-C.
Other names: c.4909A>C, p.Lys1637Gln (NM_001005407.2); short protein forms K1637Q, K1643Q.
Identifiers: ClinVar variation 938700 (VCV000938700.9), dbSNP rs766396848, ClinGen allele CA394145778.